The following is an entry in ClinVar:

NM_000781.3(CYP11A1):c.1561C>T (p.Gln521Ter)

Gene: CYP11A1 (cytochrome P450 family 11 subfamily A member 1; minus strand). Cytogenetic location: 15q24.1.
Variant type: single nucleotide variant.
Coding change: c.1561C>T on transcript NM_000781.3 (MANE Select); coding-DNA position 1561, C replaced by T.
Protein change: p.Gln521Ter; replaces glutamine 521 with a stop codon.
Molecular consequence: nonsense.
Genome position (GRCh38, 1-based): chr15:74,337,977, G>A on the plus strand (C>T on the coding strand, the complement: CYP11A1 is on the minus strand). VCF-style: chr15-74337977-G-A. GRCh37 (hg19) VCF-style: chr15-74630318-G-A.
Other names: c.1087C>T, p.Gln363Ter (NM_001099773.2); short protein forms Q363*, Q521*.
Identifiers: ClinVar variation 3366542 (VCV003366542.1).

ClinVar aggregate classification (germline): Uncertain significance (1 of 4 stars; one submission).

gnomAD v4.1: 3 of 1,613,986 alleles (0.00019%); highest among the groups gnomAD compares: Admixed American, 0.005%; no homozygotes.

Submission:

Women's Health and Genetics/Laboratory Corporation of America, LabCorp
Classification: Uncertain significance. Last evaluated: 2024-08-02. Review status: criteria provided, single submitter. Criteria: LabCorp Variant Classification Summary - May 2015. Collection method: clinical testing. Allele origin: germline.
Comment: Variant summary: CYP11A1 c.1561C>T (p.Gln521X) results in a premature termination codon, predicted to cause a truncation of the encoded protein or absence of the protein. The variant allele was found at a frequency of 1.2e-05 in 251462 control chromosomes. The available data on variant occurrences in the general population are insufficient to allow any conclusion about variant significance. To our knowledge, no occurrence of c.1561C>T in individuals affected with Congenital Adrenal Hyperplasia and no experimental evidence demonstrating its impact on protein function have been reported. No submitters have cited clinical-significance assessments for this variant to ClinVar. Based on the evidence outlined above, the variant was classified as uncertain significance.